The following is an entry in ClinVar:

NM_005477.3(HCN4):c.3557G>A (p.Arg1186Lys)

Gene: HCN4 (hyperpolarization activated cyclic nucleotide gated potassium channel 4; minus strand). Cytogenetic location: 15q24.1.
Variant type: single nucleotide variant.
Coding change: c.3557G>A on transcript NM_005477.3 (MANE Select); coding-DNA position 3557, G replaced by A.
Protein change: p.Arg1186Lys; replaces arginine 1186 with lysine.
Molecular consequence: missense variant.
Genome position (GRCh38, 1-based): chr15:73,322,536, C>T on the plus strand (G>A on the coding strand, the complement: HCN4 is on the minus strand). VCF-style: chr15-73322536-C-T. GRCh37 (hg19) VCF-style: chr15-73614877-C-T.
Other names: short protein forms R1186K.
Identifiers: ClinVar variation 3702508 (VCV003702508.2).

ClinVar aggregate classification (germline): Uncertain significance (1 of 4 stars; one submission).

Conditions:
Brugada syndrome 8 (BRGDA8). Identifiers: Orphanet 130, MedGen C2751083, MONDO:0013148, OMIM 613123.

gnomAD v4.1: 1 of 1,605,404 alleles (0.000062%); highest among the groups gnomAD compares: South Asian, 0.0011%; no homozygotes.

Submission:

Labcorp Genetics (formerly Invitae), Labcorp
Classification: Uncertain significance for Brugada syndrome 8. Last evaluated: 2025-02-12. Review status: criteria provided, single submitter. Criteria: Invitae Variant Classification Sherloc (09022015). Collection method: clinical testing. Allele origin: germline.
Comment: This sequence change replaces arginine, which is basic and polar, with lysine, which is basic and polar, at codon 1186 of the HCN4 protein (p.Arg1186Lys). This variant is present in population databases (no rsID available, gnomAD 0.003%). This variant has not been reported in the literature in individuals affected with HCN4-related conditions. Invitae Evidence Modeling of protein sequence and biophysical properties (such as structural, functional, and spatial information, amino acid conservation, physicochemical variation, residue mobility, and thermodynamic stability) indicates that this missense variant is not expected to disrupt HCN4 protein function with a negative predictive value of 95%. In summary, the available evidence is currently insufficient to determine the role of this variant in disease. Therefore, it has been classified as a Variant of Uncertain Significance.